The following is an entry in ClinVar:

NM_002691.4(POLD1):c.1868G>A (p.Arg623Gln)

Gene: POLD1 (DNA polymerase delta 1, catalytic subunit; plus strand). Cytogenetic location: 19q13.33.
Variant type: single nucleotide variant.
Coding change: c.1868G>A on transcript NM_002691.4 (MANE Select); coding-DNA position 1868, G replaced by A.
Protein change: p.Arg623Gln; replaces arginine 623 with glutamine.
Molecular consequence: missense variant. On other transcripts: non-coding transcript variant (1).
Genome position (GRCh38, 1-based): chr19:50,408,877, G>A. VCF-style: chr19-50408877-G-A. GRCh37 (hg19) VCF-style: chr19-50912134-G-A.
Other names: c.1868G>A, p.Arg623Gln (NM_001256849.1); c.1946G>A, p.Arg649Gln (NM_001308632.1); c.1868G>A (NM_002691.2); short protein forms R623Q, R649Q.
Identifiers: ClinVar variation 420987 (VCV000420987.15), dbSNP rs781327088, ClinGen allele CA9596297.

ClinVar aggregate classification (germline): Conflicting classifications of pathogenicity. Review status: criteria provided, conflicting classifications (1 of 4 stars). 3 submissions from 3 submitters: Uncertain significance (2); Likely benign (1). Last evaluated 2025-12-24.

Conditions:
POLD1-related polyposis and colorectal cancer syndrome (CRCS10). Also called: Colorectal cancer 10; COLORECTAL CANCER, SUSCEPTIBILITY TO, ON CHROMOSOME 19q; Colorectal cancer, susceptibility to, 10. Identifiers: Orphanet 220460, MedGen C2675481, MONDO:0012953, OMIM 612591.
Hereditary cancer-predisposing syndrome. Also called: Neoplastic Syndromes, Hereditary; Hereditary neoplastic syndrome; Tumor predisposition; Hereditary Cancer Syndrome. Identifiers: Orphanet 140162, MedGen C0027672, MeSH D009386, MONDO:0015356.

Allele frequency attached by ClinVar (database versions not stated): gnomAD exomes 0.00001; TOPMed 0.00001; ExAC 0.00002; gnomAD 0.00002 and 0.00003.
gnomAD v4.1: 23 of 1,612,784 alleles (0.0014%); highest among the groups gnomAD compares: East Asian, 0.016%; no homozygotes.

Submissions (3):

Labcorp Genetics (formerly Invitae), Labcorp
Classification: Uncertain significance for POLD1-related polyposis and colorectal cancer syndrome. Last evaluated: 2025-12-24. Review status: criteria provided, single submitter. Criteria: Invitae Variant Classification Sherloc (09022015). Collection method: clinical testing. Allele origin: germline.
Comment: This sequence change replaces arginine, which is basic and polar, with glutamine, which is neutral and polar, at codon 623 of the POLD1 protein (p.Arg623Gln). This variant is present in population databases (rs781327088, gnomAD 0.01%). This variant has not been reported in the literature in individuals affected with POLD1-related conditions. ClinVar contains an entry for this variant (Variation ID: 420987). Invitae Evidence Modeling of protein sequence and biophysical properties (such as structural, functional, and spatial information, amino acid conservation, physicochemical variation, residue mobility, and thermodynamic stability) indicates that this missense variant is not expected to disrupt POLD1 protein function with a negative predictive value of 80%. In summary, the available evidence is currently insufficient to determine the role of this variant in disease. Therefore, it has been classified as a Variant of Uncertain Significance.

Ambry Genetics
Classification: Likely benign for Hereditary cancer-predisposing syndrome. Last evaluated: 2024-03-28. Review status: criteria provided, single submitter. Criteria: Ambry Variant Classification Scheme 2023. Collection method: clinical testing. Allele origin: germline.

GeneDx
Classification: Uncertain significance. Last evaluated: 2019-12-23. Review status: criteria provided, single submitter. Criteria: GeneDx Variant Classification Process June 2021. Collection method: clinical testing. Allele origin: germline. Affected: yes.
Comment: While protein-based in silico analysis supports that this variant does not alter protein structure/function, splice predictors suggest this variant may impact gene splicing. In the absence of RNA or functional studies, the actual effect of this sequence change is unknown.; Has not been previously published as a pathogenic or benign germline variant to our knowledge; This variant is associated with the following publications: (PMID: 29056344)